The following is an entry in ClinVar:

ClinVar aggregate classification (germline): Uncertain significance (1 of 4 stars; one submission).

Allele frequency attached by ClinVar (database versions not stated): TOPMed 0.00001; ExAC 0.00002; ESP Exome Variant Server 0.00008.
gnomAD v4.1: 40 of 1,614,070 alleles (0.0025%); highest among the groups gnomAD compares: Non-Finnish European, 0.0031%; no homozygotes.

Submission:

Labcorp Genetics (formerly Invitae), Labcorp
Classification: Uncertain significance. Last evaluated: 2022-12-14. Review status: criteria provided, single submitter. Criteria: Invitae Variant Classification Sherloc (09022015). Collection method: clinical testing. Allele origin: germline.
Comment: This sequence change replaces cysteine, which is neutral and slightly polar, with tyrosine, which is neutral and polar, at codon 4354 of the MACF1 protein (p.Cys4354Tyr). This variant is present in population databases (rs140057477, gnomAD 0.002%). This variant has not been reported in the literature in individuals affected with MACF1-related conditions. Algorithms developed to predict the effect of missense changes on protein structure and function are either unavailable or do not agree on the potential impact of this missense change (SIFT: "Tolerated"; PolyPhen-2: "Probably Damaging"; Align-GVGD: "Class C0"). In summary, the available evidence is currently insufficient to determine the role of this variant in disease. Therefore, it has been classified as a Variant of Uncertain Significance.

NM_001394062.1(MACF1):c.19238G>A (p.Cys6413Tyr)

Gene: MACF1 (microtubule actin crosslinking factor 1; plus strand). Cytogenetic location: 1p34.3.
Variant type: single nucleotide variant.
Coding change: c.19238G>A on transcript NM_001394062.1 (MANE Select); coding-DNA position 19238, G replaced by A.
Protein change: p.Cys6413Tyr; replaces cysteine 6413 with tyrosine.
Molecular consequence: missense variant.
Genome position (GRCh38, 1-based): chr1:39,442,847, G>A. VCF-style: chr1-39442847-G-A. GRCh37 (hg19) VCF-style: chr1-39908519-G-A.
Other names: c.7316G>A, p.Cys2439Tyr (NM_001397473.1); c.13061G>A, p.Cys4354Tyr (NM_012090.5); short protein forms C2439Y, C4354Y, C6413Y.
Identifiers: ClinVar variation 1982266 (VCV001982266.4), dbSNP rs140057477, ClinGen allele CA784076.